The following is an entry in ClinVar:

ClinVar aggregate classification (germline): Uncertain significance. Review status: criteria provided, multiple submitters, no conflicts (2 of 4 stars). 4 submissions from 4 submitters: Uncertain significance (4). Last evaluated 2022-09-29.

Conditions:
Ataxia-telangiectasia-like disorder (ATLD). Identifiers: MedGen C1858391, MONDO:0011457.
MRE11-related disorder. Also called: MRE11-related condition.
Hereditary cancer-predisposing syndrome. Also called: Neoplastic Syndromes, Hereditary; Tumor predisposition; Hereditary Cancer Syndrome; Hereditary neoplastic syndrome. Identifiers: Orphanet 140162, MedGen C0027672, MeSH D009386, MONDO:0015356.
Ataxia-telangiectasia-like disorder 1 (ATLD1). Identifiers: Orphanet 251347, MedGen C4012790, MONDO:0024557, OMIM 604391.

Allele frequency attached by ClinVar (database versions not stated): gnomAD 0.00002; TOPMed 0.00006.
gnomAD v4.1: 8 of 1,613,740 alleles (0.0005%); highest among the groups gnomAD compares: Admixed American, 0.012%; no homozygotes.

Submissions (4):

PreventionGenetics, part of Exact Sciences
Classification: Uncertain significance for MRE11-related condition. Last evaluated: 2022-09-29. Review status: criteria provided, single submitter. Criteria: ACMG Guidelines, 2015. Collection method: clinical testing. Allele origin: germline.
Comment: The MRE11 c.1190A>C variant is predicted to result in the amino acid substitution p.His397Pro. To our knowledge, this variant has not been reported in the literature or in a large population database, indicating this variant is rare. In ClinVar this variant has been interpreted as uncertain. At this time, the clinical significance of this variant is uncertain due to the absence of conclusive functional and genetic evidence.

Labcorp Genetics (formerly Invitae), Labcorp
Classification: Uncertain significance for Ataxia-telangiectasia-like disorder. Last evaluated: 2022-09-19. Review status: criteria provided, single submitter. Criteria: Invitae Variant Classification Sherloc (09022015). Collection method: clinical testing. Allele origin: germline.
Comment: This sequence change replaces histidine, which is basic and polar, with proline, which is neutral and non-polar, at codon 397 of the MRE11 protein (p.His397Pro). This variant is not present in population databases (gnomAD no frequency). This variant has not been reported in the literature in individuals affected with MRE11-related conditions. ClinVar contains an entry for this variant (Variation ID: 142150). Algorithms developed to predict the effect of missense changes on protein structure and function are either unavailable or do not agree on the potential impact of this missense change (SIFT: "Deleterious"; PolyPhen-2: "Probably Damaging"; Align-GVGD: "Class C0"). In summary, the available evidence is currently insufficient to determine the role of this variant in disease. Therefore, it has been classified as a Variant of Uncertain Significance.

Ambry Genetics
Classification: Uncertain significance for Hereditary cancer-predisposing syndrome. Last evaluated: 2022-09-13. Review status: criteria provided, single submitter. Criteria: Ambry Variant Classification Scheme 2023. Collection method: clinical testing. Allele origin: germline.
Comment: The p.H397P variant (also known as c.1190A>C), located in coding exon 10 of the MRE11A gene, results from an A to C substitution at nucleotide position 1190. The histidine at codon 397 is replaced by proline, an amino acid with similar properties. This amino acid position is highly conserved in available vertebrate species. In addition, this alteration is predicted to be deleterious by in silico analysis. Since supporting evidence is limited at this time, the clinical significance of this alteration remains unclear.

Revvity Omics, Revvity
Classification: Uncertain significance for Ataxia-telangiectasia-like disorder 1. Last evaluated: 2019-06-21. Review status: criteria provided, single submitter. Criteria: ACMG Guidelines, 2015. Collection method: clinical testing. Allele origin: germline.

NM_005591.4(MRE11):c.1190A>C (p.His397Pro)

Gene: MRE11 (MRE11 double strand break repair nuclease; minus strand). Cytogenetic location: 11q21.
Variant type: single nucleotide variant.
Coding change: c.1190A>C on transcript NM_005591.4 (MANE Select); coding-DNA position 1190, A replaced by C.
Protein change: p.His397Pro; replaces histidine 397 with proline.
Molecular consequence: missense variant.
Genome position (GRCh38, 1-based): chr11:94,464,148, T>G on the plus strand (A>C on the coding strand, the complement: MRE11 is on the minus strand). VCF-style: chr11-94464148-T-G. GRCh37 (hg19) VCF-style: chr11-94197314-T-G.
Other names: c.1190A>C, p.His397Pro (NM_005590.4, NM_001330347.2); short protein forms H397P.
Identifiers: ClinVar variation 142150 (VCV000142150.15), dbSNP rs372657126, ClinGen allele CA167542.
Genomic context (GRCh38, chr11:94,464,148, plus strand): 5'-TACCTCATAAAAATAACTAGCTTACCTGTTTTTTCCTTTTGTTCTCTATGCCTGAAAAAA[T>G]GGATAATGTCTTTTGGATTAGCTACCCGATCCACAAATTTCTGGCTAAAGCGAAGAACAC-3'
Protein context (NP_005582.1, residues 387-407): DRVANPKDII[His397Pro]FFRHREQKEK